The following is an entry in ClinVar:

NM_025114.4(CEP290):c.1565A>G (p.Asn522Ser)

Gene: CEP290 (centrosomal protein 290; minus strand). Cytogenetic location: 12q21.32.
Variant type: single nucleotide variant.
Coding change: c.1565A>G on transcript NM_025114.4 (MANE Select); coding-DNA position 1565, A replaced by G.
Protein change: p.Asn522Ser; replaces asparagine 522 with serine.
Molecular consequence: missense variant.
Genome position (GRCh38, 1-based): chr12:88,118,701, T>C on the plus strand (A>G on the coding strand, the complement: CEP290 is on the minus strand). VCF-style: chr12-88118701-T-C. GRCh37 (hg19) VCF-style: chr12-88512478-T-C.
Other names: short protein forms N522S.
Identifiers: ClinVar variation 849047 (VCV000849047.11), dbSNP rs751732097, ClinGen allele CA6712523.

ClinVar aggregate classification (germline): Uncertain significance. Review status: criteria provided, multiple submitters, no conflicts (2 of 4 stars). 2 submissions from 2 submitters: Uncertain significance (2). Last evaluated 2022-07-06.

Conditions:
Joubert syndrome. Also called: JOUBERT-BOLTSHAUSER SYNDROME; Familial aplasia of the vermis. Identifiers: Orphanet 475, MedGen C5979921, MONDO:0018772.
Meckel-Gruber syndrome. Also called: DYSENCEPHALIA SPLANCHNOCYSTICA; GRUBER SYNDROME; Dysencephalia splachnocystica. Identifiers: Orphanet 564, MedGen C0265215, MONDO:0018921.
Nephronophthisis. Also called: Juvenile Nephronophthisis. Identifiers: Orphanet 655, MedGen C0687120, MONDO:0019005, HP:0000090.

Allele frequency attached by ClinVar (database versions not stated): gnomAD exomes below 0.00001; ExAC 0.00001.
gnomAD v4.1: 2 of 1,613,254 alleles (0.00012%); highest among the groups gnomAD compares: Non-Finnish European, 0.00017%; no homozygotes.

Submissions (2):

Labcorp Genetics (formerly Invitae), Labcorp
Classification: Uncertain significance for Joubert syndrome; Meckel-Gruber syndrome; Nephronophthisis. Last evaluated: 2022-07-06. Review status: criteria provided, single submitter. Criteria: Invitae Variant Classification Sherloc (09022015). Collection method: clinical testing. Allele origin: germline.
Comment: In summary, the available evidence is currently insufficient to determine the role of this variant in disease. Therefore, it has been classified as a Variant of Uncertain Significance. Algorithms developed to predict the effect of missense changes on protein structure and function output the following: SIFT: "Tolerated"; PolyPhen-2: "Benign"; Align-GVGD: "Class C0". The serine amino acid residue is found in multiple mammalian species, which suggests that this missense change does not adversely affect protein function. ClinVar contains an entry for this variant (Variation ID: 849047). This variant has not been reported in the literature in individuals affected with CEP290-related conditions. This variant is present in population databases (rs751732097, gnomAD 0.0009%). This sequence change replaces asparagine, which is neutral and polar, with serine, which is neutral and polar, at codon 522 of the CEP290 protein (p.Asn522Ser).

Blueprint Genetics
Classification: Uncertain significance. Last evaluated: 2019-03-29. Review status: criteria provided, single submitter. Criteria: ACMG Guidelines, 2015. Collection method: clinical testing. Allele origin: germline.